The following is an entry in ClinVar:

ClinVar aggregate classification (germline): Uncertain significance (1 of 4 stars; one submission).

Submission:

CeGaT Center for Human Genetics Tuebingen
Classification: Uncertain significance. Last evaluated: 2022-08-01. Review status: criteria provided, single submitter. Criteria: CeGaT Center For Human Genetics Tuebingen Variant Classification Criteria Version 2. Collection method: clinical testing. Allele origin: germline. Affected: yes. Observed: 1 variant allele.
Comment: CASP10: PM2, BP4

NM_032977.4(CASP10):c.517C>T (p.Leu173Phe)

Gene: CASP10 (caspase 10; plus strand). Cytogenetic location: 2q33.1.
Variant type: single nucleotide variant.
Coding change: c.517C>T on transcript NM_032977.4 (MANE Select); coding-DNA position 517, C replaced by T.
Protein change: p.Leu173Phe; replaces leucine 173 with phenylalanine.
Molecular consequence: missense variant.
Genome position (GRCh38, 1-based): chr2:201,193,059, C>T. VCF-style: chr2-201193059-C-T. GRCh37 (hg19) VCF-style: chr2-202057782-C-T.
Other names: c.517C>T, p.Leu173Phe (NM_001206524.2, NM_001206542.2, NM_001230.5 and 3 more transcripts); short protein forms L173F.
Identifiers: ClinVar variation 2651814 (VCV002651814.24), dbSNP rs2469385423, ClinGen allele CA350278924.